The following is an entry in ClinVar:

ClinVar aggregate classification (germline): Benign (1 of 4 stars; one submission).

Allele frequency attached by ClinVar (database versions not stated): 1000 Genomes Project 0.01837; gnomAD 0.01917 and 0.02070; 1000 Genomes Project 30x 0.01968; TOPMed 0.02241.
gnomAD v4.1: 2,888 of 152,352 alleles (1.9%); highest among the groups gnomAD compares: African/African-American, 6.6%; 93 homozygotes.

Submission:

GeneDx
Classification: Benign. Last evaluated: 2018-06-14. Review status: criteria provided, single submitter. Criteria: GeneDx Variant Classification (06012015). Collection method: clinical testing. Allele origin: germline. Affected: yes.
Comment: This variant is considered likely benign or benign based on one or more of the following criteria: it is a conservative change, it occurs at a poorly conserved position in the protein, it is predicted to be benign by multiple in silico algorithms, and/or has population frequency not consistent with disease.

NM_020774.4(MIB1):c.2779+299T>C

Gene: MIB1 (MIB E3 ubiquitin protein ligase 1; plus strand). Cytogenetic location: 18q11.2.
Variant type: single nucleotide variant.
Coding change: c.2779+299T>C on transcript NM_020774.4 (MANE Select); 299 bases into the intron after coding-DNA position 2779, T replaced by C.
Molecular consequence: intron variant.
Genome position (GRCh38, 1-based): chr18:21,857,542, T>C. VCF-style: chr18-21857542-T-C. GRCh37 (hg19) VCF-style: chr18-19437503-T-C.
Identifiers: ClinVar variation 672724 (VCV000672724.1), dbSNP rs73430120, ClinGen allele CA296943353.